The following is an entry in ClinVar:

NM_001110556.2(FLNA):c.7862A>G (p.Lys2621Arg)

Genes: FLNA (filamin A; minus strand), LOC107988032 (Xq28 proximal FLNA-EMD recombination region; plus strand). Cytogenetic location: Xq28.
Variant type: single nucleotide variant.
Coding change: c.7862A>G on transcript NM_001110556.2 (MANE Select); coding-DNA position 7862, A replaced by G.
Protein change: p.Lys2621Arg; replaces lysine 2621 with arginine.
Molecular consequence: missense variant.
Genome position (GRCh38, 1-based): chrX:154,348,931, T>C on the plus strand (A>G on the coding strand, the complement: FLNA is on the minus strand). VCF-style: chrX-154348931-T-C. GRCh37 (hg19) VCF-style: chrX-153577299-T-C.
Other names: c.7838A>G, p.Lys2613Arg (NM_001456.4); short protein forms K2621R, K2613R.
Identifiers: ClinVar variation 964481 (VCV000964481.10), dbSNP rs782302420, ClinGen allele CA10559815.

ClinVar aggregate classification (germline): Conflicting classifications of pathogenicity. Review status: criteria provided, conflicting classifications (1 of 4 stars). 2 submissions from 2 submitters: Uncertain significance (1); Benign (1). Last evaluated 2026-03-15.

Conditions:
Heterotopia, periventricular, X-linked dominant (PVNH1). Also called: PERIVENTRICULAR NODULAR HETEROTOPIA 1; X-linked periventricular heterotopia; PERIVENTRICULAR NODULAR HETEROTOPIA 4; HETEROTOPIA, PERIVENTRICULAR, 1. Identifiers: Orphanet 2149, Orphanet 82004, MedGen C1848213, MONDO:0010233, OMIM 300049.
Melnick-Needles syndrome (MNS). Also called: MELNICK-NEEDLES OSTEODYSPLASTY; OSTEODYSPLASTY OF MELNICK AND NEEDLES; Melnick-Needles Syndrome (FLNA-MNS). Identifiers: Orphanet 2484, MedGen C0025237, MONDO:0010650, OMIM 309350.
Oto-palato-digital syndrome, type II (OPD2). Also called: FACIOPALATOOSSEOUS SYNDROME; OPD II SYNDROME; Otopalatodigital Syndrome, Type II; Otopalatodigital Syndrome Type 2 (FLNA-OPD2). Identifiers: Orphanet 669, Orphanet 90652, MedGen C1844696, MONDO:0010571, OMIM 304120.
Frontometaphyseal dysplasia (FMD1). Identifiers: Orphanet 1826, MedGen C0265293, MONDO:0015942.
Familial thoracic aortic aneurysm and aortic dissection (TAAD). Also called: Thoracic aortic aneurysms and dissections. Identifiers: Orphanet 91387, MedGen C4707243, MONDO:0019625.

Allele frequency attached by ClinVar (database versions not stated): gnomAD exomes 0.00001 and below 0.00001; 1000 Genomes Project 30x 0.00042; TOPMed 0.00001; gnomAD 0.00002 and 0.00004; ExAC 0.00001; 1000 Genomes Project 0.00053.
gnomAD v4.1: 6 of 1,209,771 alleles (0.0005%); highest among the groups gnomAD compares: African/African-American, 0.01%; no homozygotes.

Submissions (2):

Ambry Genetics
Classification: Uncertain significance for Familial thoracic aortic aneurysm and aortic dissection. Last evaluated: 2026-03-15. Review status: criteria provided, single submitter. Criteria: Ambry Variant Classification Scheme 2023. Collection method: clinical testing. Allele origin: germline.
Comment: The p.K2613R variant (also known as c.7838A>G), located in coding exon 46 of the FLNA gene, results from an A to G substitution at nucleotide position 7838. The lysine at codon 2613 is replaced by arginine, an amino acid with highly similar properties. This amino acid position is conserved. In addition, the in silico prediction for this alteration is inconclusive. Based on the available evidence, the clinical significance of this variant remains unclear.

Labcorp Genetics (formerly Invitae), Labcorp
Classification: Benign for Oto-palato-digital syndrome, type II; Heterotopia, periventricular, X-linked dominant; Frontometaphyseal dysplasia; Melnick-Needles syndrome. Last evaluated: 2025-12-08. Review status: criteria provided, single submitter. Criteria: Invitae Variant Classification Sherloc (09022015). Collection method: clinical testing. Allele origin: germline.